The following is an entry in ClinVar:

ClinVar aggregate classification (germline): Uncertain significance (1 of 4 stars; one submission).

Conditions:
Classic or attenuated familial adenomatous polyposis. Identifiers: MedGen CN372698, MONDO:0021057.

Submission:

All of Us Research Program, National Institutes of Health
Classification: Uncertain significance for Classic or attenuated familial adenomatous polyposis. Last evaluated: 2024-09-23. Review status: criteria provided, single submitter. Criteria: ACMG Guidelines, 2015. Collection method: clinical testing. Allele origin: germline. Inheritance: Autosomal dominant inheritance. Observed: 1 variant allele, 1 heterozygote.
Comment: This study involves interpretation of variants in research participants for the purpose of population health screening. Participant phenotype was not available at the time of variant classification. Additional details can be found in publication PMID: 35346344, PMCID: PMC8962531

NM_000038.6(APC):c.5488A>G (p.Asn1830Asp)

Gene: APC (APC regulator of WNT signaling pathway; plus strand). Cytogenetic location: 5q22.2.
Variant type: single nucleotide variant.
Coding change: c.5488A>G on transcript NM_000038.6 (MANE Select); coding-DNA position 5488, A replaced by G.
Protein change: p.Asn1830Asp; replaces asparagine 1830 with aspartic acid.
Molecular consequence: missense variant. On other transcripts: non-coding transcript variant (2).
Genome position (GRCh38, 1-based): chr5:112,841,082, A>G. VCF-style: chr5-112841082-A-G. GRCh37 (hg19) VCF-style: chr5-112176779-A-G.
Other names: c.5488A>G, p.Asn1830Asp (NM_001127510.3, NM_001354895.2, NM_001407450.1); c.5434A>G, p.Asn1812Asp (NM_001127511.3); c.5542A>G, p.Asn1848Asp (NM_001354896.2, NM_001407447.1, NM_001407448.1 and 1 more transcripts); c.5518A>G, p.Asn1840Asp (NM_001354897.2); c.5413A>G, p.Asn1805Asp (NM_001354898.2); c.5404A>G, p.Asn1802Asp (NM_001354899.2); c.5365A>G, p.Asn1789Asp (NM_001354900.2); c.5311A>G, p.Asn1771Asp (NM_001354901.2, NM_001407453.1); and 11 more; short protein forms N1446D, N1547D, N1670D, N1701D, N1704D, N1729D, N1739D, N1747D.
Identifiers: ClinVar variation 3386886 (VCV003386886.1).